The following is an entry in ClinVar:

NM_201384.3(PLEC):c.1465_1471del (p.Asn489fs)

Gene: PLEC (plectin; minus strand). Cytogenetic location: 8q24.3.
Variant type: Deletion.
Coding change: c.1465_1471del on transcript NM_201384.3 (MANE Select); coding-DNA positions 1465 to 1471, 7 bases deleted (AACCTAC; older notation c.1465_1471delAACCTAC).
Protein change: p.Asn489fs; shifts the reading frame from asparagine 489.
Molecular consequence: frameshift variant.
Genome position (GRCh38, 1-based): chr8:143,933,059-143,933,065, GTAGGTT deleted on the plus strand (AACCTAC on the coding strand, the reverse complement: PLEC is on the minus strand); deleting any 7 consecutive bases within chr8:143,933,059-143,933,068 gives the same sequence; the c. name uses the placement nearest the transcript's 3' end. VCF-style (leftmost placement, unchanged base first): chr8-143933058-CGTAGGTT-C. GRCh37 (hg19) VCF-style: chr8-145007226-CGTAGGTT-C.
Other names: c.1546_1552del, p.Asn516fs (NM_000445.5); c.1423_1429del, p.Asn475fs (NM_201378.4); c.1399_1405del, p.Asn467fs (NM_201379.3); c.1876_1882del, p.Asn626fs (NM_201380.4); c.1369_1375del, p.Asn457fs (NM_201381.3); c.1465_1471del, p.Asn489fs (NM_201382.4); c.1477_1483del, p.Asn493fs (NM_201383.3); short protein forms N457fs, N467fs, N475fs, N489fs, N493fs, N516fs, N626fs.
Identifiers: ClinVar variation 1323468 (VCV001323468.7), dbSNP rs2131949494, ClinGen allele CA2573052990.

ClinVar aggregate classification (germline): Pathogenic. Review status: criteria provided, multiple submitters, no conflicts (2 of 4 stars). 2 submissions from 2 submitters: Pathogenic (2). Last evaluated 2023-11-17.

Conditions:
Epidermolysis bullosa simplex 5B, with muscular dystrophy (EBS5B). Also called: EPIDERMOLYSIS BULLOSA SIMPLEX AND LIMB-GIRDLE MUSCULAR DYSTROPHY; Epidermolysis bullosa simplex with muscular dystrophy. Identifiers: Orphanet 257, MedGen C2931072, MONDO:0009181, OMIM 226670.
Autosomal recessive limb-girdle muscular dystrophy type 2Q (LGMDR17). Also called: MUSCULAR DYSTROPHY, LIMB-GIRDLE, AUTOSOMAL RECESSIVE 17. Identifiers: Orphanet 254361, MedGen C3150989, MONDO:0013390, OMIM 613723.
Epidermolysis bullosa simplex, Ogna type (EBS5A). Also called: Pidermolysis bullosa simplex 5A, Ogna type; EPIDERMOLYSIS BULLOSA SIMPLEX 5A, OGNA TYPE. Identifiers: Orphanet 79401, MedGen C0432317, MONDO:0007555, OMIM 131950.
Epidermolysis bullosa simplex with nail dystrophy (EBS5D). Identifiers: MedGen C4225309, MONDO:0014661, OMIM 616487.
Epidermolysis bullosa simplex 5C, with pyloric atresia (EBS5C). Also called: Epidermolysis bullosa simplex with pyloric atresia; PLEC1-Related Epidermolysis Bullosa with Pyloric Atresia; PLEC-Related Epidermolysis Bullosa with Pyloric Atresia. Identifiers: Orphanet 158684, MedGen C2677349, MONDO:0012807, OMIM 612138.

Submissions (2):

Labcorp Genetics (formerly Invitae), Labcorp
Classification: Pathogenic for Autosomal recessive limb-girdle muscular dystrophy type 2Q; Epidermolysis bullosa simplex, Ogna type; Epidermolysis bullosa simplex with nail dystrophy; Epidermolysis bullosa simplex 5C, with pyloric atresia; Epidermolysis bullosa simplex 5B, with muscular dystrophy. Last evaluated: 2023-11-17. Review status: criteria provided, single submitter. Criteria: Invitae Variant Classification Sherloc (09022015). Collection method: clinical testing. Allele origin: germline.
Comment: This sequence change creates a premature translational stop signal (p.Asn516Glyfs*2) in the PLEC gene. It is expected to result in an absent or disrupted protein product. Loss-of-function variants in PLEC are known to be pathogenic (PMID: 20301336, 20447487, 21109228, 23289980, 28824526). This variant is not present in population databases (gnomAD no frequency). This variant has not been reported in the literature in individuals affected with PLEC-related conditions. ClinVar contains an entry for this variant (Variation ID: 1323468). For these reasons, this variant has been classified as Pathogenic.

Revvity Omics, Revvity
Classification: Pathogenic. Last evaluated: 2020-11-19. Review status: criteria provided, single submitter. Criteria: ACMG Guidelines, 2015. Collection method: clinical testing. Allele origin: germline.

Literature cited by the submitters: PubMed 20301336 (cited by Labcorp Genetics (formerly Invitae), Labcorp); PubMed 20447487 (cited by Labcorp Genetics (formerly Invitae), Labcorp); PubMed 21109228 (cited by Labcorp Genetics (formerly Invitae), Labcorp); PubMed 23289980 (cited by Labcorp Genetics (formerly Invitae), Labcorp); PubMed 28824526 (cited by Labcorp Genetics (formerly Invitae), Labcorp).